The following is an entry in ClinVar:

ClinVar aggregate classification (germline): Conflicting classifications of pathogenicity. Review status: criteria provided, conflicting classifications (1 of 4 stars). 2 submissions from 2 submitters: Uncertain significance (1); Likely benign (1). Last evaluated 2025-05-10.

Conditions:
KIDINS220-related disorder. Also called: KIDINS220-related condition.

Allele frequency attached by ClinVar (database versions not stated): TOPMed below 0.00001; ExAC 0.00001; gnomAD 0.00001; gnomAD exomes 0.00001.
gnomAD v4.1: 21 of 1,612,926 alleles (0.0013%); highest among the groups gnomAD compares: East Asian, 0.025%; 1 homozygote.

Submissions (2):

PreventionGenetics, part of Exact Sciences
Classification: Likely benign for KIDINS220-related condition. Last evaluated: 2025-05-10. Review status: criteria provided, single submitter. Criteria: ACMG Guidelines, 2015. Collection method: clinical testing. Allele origin: germline.
Comment: This variant is classified as likely benign based on ACMG/AMP sequence variant interpretation guidelines (Richards et al. 2015 PMID: 25741868, with internal and published modifications).

Labcorp Genetics (formerly Invitae), Labcorp
Classification: Uncertain significance. Last evaluated: 2024-02-23. Review status: criteria provided, single submitter. Criteria: Invitae Variant Classification Sherloc (09022015). Collection method: clinical testing. Allele origin: germline.
Comment: This sequence change falls in intron 20 of the KIDINS220 gene. It does not directly change the encoded amino acid sequence of the KIDINS220 protein. It affects a nucleotide within the consensus splice site. This variant is present in population databases (rs777475307, gnomAD 0.02%). This variant has not been reported in the literature in individuals affected with KIDINS220-related conditions. Variants that disrupt the consensus splice site are a relatively common cause of aberrant splicing (PMID: 17576681, 9536098). Algorithms developed to predict the effect of sequence changes on RNA splicing suggest that this variant is not likely to affect RNA splicing. In summary, the available evidence is currently insufficient to determine the role of this variant in disease. Therefore, it has been classified as a Variant of Uncertain Significance.

Literature cited by the submitters: PubMed 17576681 (cited by Labcorp Genetics (formerly Invitae), Labcorp); PubMed 9536098 (cited by Labcorp Genetics (formerly Invitae), Labcorp).

NM_020738.4(KIDINS220):c.2704-3C>T

Gene: KIDINS220 (kinase D interacting substrate 220; minus strand). Cytogenetic location: 2p25.1.
Variant type: single nucleotide variant.
Coding change: c.2704-3C>T on transcript NM_020738.4 (MANE Select); 3 bases into the intron before coding-DNA position 2704, C replaced by T.
Molecular consequence: intron variant.
Genome position (GRCh38, 1-based): chr2:8,776,895, G>A on the plus strand (C>T on the coding strand, the complement: KIDINS220 is on the minus strand). VCF-style: chr2-8776895-G-A. GRCh37 (hg19) VCF-style: chr2-8917025-G-A.
Other names: c.2704-3C>T (NM_020738.2, NM_001348741.2, NM_001348738.2 and 4 more transcripts); c.2707-3C>T (NM_001348739.2, NM_001348740.2, NM_001348734.2 and 3 more transcripts); c.2578-3C>T (NM_001348736.2).
Identifiers: ClinVar variation 2901504 (VCV002901504.4), dbSNP rs777475307, ClinGen allele CA1519890.